The following is an entry in ClinVar:

NM_001323289.2(CDKL5):c.146-6T>G

Gene: CDKL5 (cyclin dependent kinase like 5; plus strand). Cytogenetic location: Xp22.13.
Variant type: single nucleotide variant.
Coding change: c.146-6T>G on transcript NM_001323289.2 (MANE Select); 6 bases into the intron before coding-DNA position 146, T replaced by G.
Molecular consequence: intron variant.
Genome position (GRCh38, 1-based): chrX:18,575,348, T>G. VCF-style: chrX-18575348-T-G. GRCh37 (hg19) VCF-style: chrX-18593468-T-G.
Other names: NM_003159.3:c.146-6T>G; c.146-6T>G (NM_003159.3, NM_001037343.2).
Identifiers: ClinVar variation 3343986 (VCV003343986.1).

ClinVar aggregate classification (germline): Uncertain significance (1 of 4 stars; one submission).

Conditions:
CDKL5 disorder. Identifiers: MedGen CN296942, MONDO:0100039.

Submission:

Centre for Population Genomics, CPG
Classification: Uncertain significance for CDKL5 disorder. Last evaluated: 2024-08-23. Review status: criteria provided, single submitter. Criteria: McKnight et al. (Hum Mutat. 2022). Collection method: curation. Allele origin: germline. Inheritance: X-linked inheritance.
Comment: This variant has been collected from RettBASE and curated to current modified ACMG/AMP criteria. Based on the classification scheme defined by the ClinGen Rett/Angelman-like Expert Panel for Rett/AS-like Disorders Specifications to the ACMG/AMP Variant Interpretation Guidelines VCEP 3.0, this variant is classified as a variant of uncertain significance. At least the following criteria are met: The computational splicing predictor SpliceAI supports a splicing alteration (score of >0.2 - AL:0.72, AG: 0.99) (PP3). This variant is absent from gnomAD v4 (PM2_Supporting).